The following is an entry in ClinVar:

ClinVar aggregate classification (germline): Uncertain significance (1 of 4 stars; one submission).

Conditions:
Early-infantile DEE. Also called: Ohtahara syndrome; Early infantile epileptic encephalopathy with suppression bursts; Early infantile epileptic encephalopathy. Identifiers: Orphanet 1934, MedGen C0393706, MONDO:0800491.

Allele frequency attached by ClinVar (database versions not stated): TOPMed 0.00002.

Submission:

Labcorp Genetics (formerly Invitae), Labcorp
Classification: Uncertain significance for Early-infantile DEE. Last evaluated: 2024-05-15. Review status: criteria provided, single submitter. Criteria: Invitae Variant Classification Sherloc (09022015). Collection method: clinical testing. Allele origin: germline.
Comment: This sequence change falls in intron 20 of the SCN1A gene. It does not directly change the encoded amino acid sequence of the SCN1A protein. However, this sequence change falls within a region encompassing a cryptic exon in the SCN1A gene, in which variants have been shown to alter splicing (PMID: 30526861, 34107977). This variant is not present in population databases (gnomAD no frequency). This variant has not been reported in the literature in individuals affected with SCN1A-related conditions. ClinVar contains an entry for this variant (Variation ID: 1642906). Algorithms developed to predict the effect of sequence changes on RNA splicing suggest that this variant is not likely to affect RNA splicing. In summary, the available evidence is currently insufficient to determine the role of this variant in disease. Therefore, it has been classified as a Variant of Uncertain Significance.

Literature cited by the submitters: PubMed 30526861; PubMed 34107977.

NM_001165963.4(SCN1A):c.4002+2267C>T

Genes: SCN1A (sodium voltage-gated channel alpha subunit 1; minus strand), LOC102724058 (uncharacterized LOC102724058; plus strand). Cytogenetic location: 2q24.3.
Variant type: single nucleotide variant.
Coding change: c.4002+2267C>T on transcript NM_001165963.4 (MANE Select); 2267 bases into the intron after coding-DNA position 4002, C replaced by T.
Molecular consequence: intron variant.
Genome position (GRCh38, 1-based): chr2:166,007,452, G>A on the plus strand (C>T on the coding strand, the complement: SCN1A is on the minus strand). VCF-style: chr2-166007452-G-A. GRCh37 (hg19) VCF-style: chr2-166863962-G-A.
Other names: c.3969+2267C>T (NM_001353949.2, NM_001353950.2, NM_001353951.2 and 2 more transcripts); c.3918+2267C>T (NM_001353958.2, NM_001353957.2, NM_001165964.3); c.4002+2267C>T (NM_001202435.3, NM_001353948.2); c.3966+2267C>T (NM_001353955.2, NM_001353954.2); c.3915+2267C>T (NM_001353960.2); c.1560+2267C>T (NM_001353961.2).
Identifiers: ClinVar variation 1642906 (VCV001642906.9), dbSNP rs1009086858, ClinGen allele CA59771622.